The following is an entry in ClinVar:

ClinVar aggregate classification (germline): Conflicting classifications of pathogenicity. Review status: criteria provided, conflicting classifications (1 of 4 stars). 5 submissions from 5 submitters: Uncertain significance (2); Likely benign (3). Last evaluated 2025-12-02.

Conditions:
Amyotrophic lateral sclerosis type 21. Also called: VOCAL CORD AND PHARYNGEAL DYSFUNCTION WITH DISTAL MYOPATHY; MYOPATHY, DISTAL, 2. Identifiers: Orphanet 600, Orphanet 803, MedGen C3807521, MONDO:0011632, OMIM 606070.
MATR3-related disorder. Also called: MATR3-related condition.

Allele frequency attached by ClinVar (database versions not stated): ExAC 0.00002; gnomAD 0.00002; gnomAD exomes 0.00002 and 0.00003; TOPMed 0.00002.
gnomAD v4.1: 43 of 1,614,036 alleles (0.0027%); highest among the groups gnomAD compares: Non-Finnish European, 0.0033%; no homozygotes.

Submissions (5):

PreventionGenetics, part of Exact Sciences
Classification: Uncertain significance for MATR3-related condition. Last evaluated: 2025-12-02. Review status: criteria provided, single submitter. Criteria: ACMG Guidelines, 2015. Collection method: clinical testing. Allele origin: germline.
Comment: The MATR3 c.2251G>A variant is predicted to result in the amino acid substitution p.Ala751Thr. To our knowledge, this variant has not been reported in the literature. This variant is reported in 0.0062% of alleles in individuals of European (non-Finnish) descent in gnomAD. At this time, the clinical significance of this variant is uncertain due to the absence of conclusive functional and genetic evidence.

CeGaT Center for Human Genetics Tuebingen
Classification: Likely benign. Last evaluated: 2025-10-01. Review status: criteria provided, single submitter. Criteria: CeGaT Center For Human Genetics Tuebingen Variant Classification Criteria Version 2. Collection method: clinical testing. Allele origin: germline. Affected: yes. Observed: 1 variant allele.
Comment: MATR3: BP4, BS2

Laboratory of Genetics, Children's Clinical University Hospital Latvia
Classification: Likely benign. Last evaluated: 2025-02-16. Review status: criteria provided, single submitter. Criteria: ACMG Guidelines, 2015. Collection method: clinical testing. Allele origin: germline. Affected: yes.

Labcorp Genetics (formerly Invitae), Labcorp
Classification: Uncertain significance for Amyotrophic lateral sclerosis type 21. Last evaluated: 2025-01-29. Review status: criteria provided, single submitter. Criteria: Invitae Variant Classification Sherloc (09022015). Collection method: clinical testing. Allele origin: germline.
Comment: This sequence change replaces alanine, which is neutral and non-polar, with threonine, which is neutral and polar, at codon 751 of the MATR3 protein (p.Ala751Thr). This variant is present in population databases (rs774158046, gnomAD 0.006%). This variant has not been reported in the literature in individuals affected with MATR3-related conditions. ClinVar contains an entry for this variant (Variation ID: 1196920). Invitae Evidence Modeling of protein sequence and biophysical properties (such as structural, functional, and spatial information, amino acid conservation, physicochemical variation, residue mobility, and thermodynamic stability) indicates that this missense variant is not expected to disrupt MATR3 protein function with a negative predictive value of 80%. In summary, the available evidence is currently insufficient to determine the role of this variant in disease. Therefore, it has been classified as a Variant of Uncertain Significance.

GeneDx
Classification: Likely benign. Last evaluated: 2020-11-10. Review status: criteria provided, single submitter. Criteria: GeneDx Variant Classification Process June 2021. Collection method: clinical testing. Allele origin: germline. Affected: yes.

NM_018834.6(MATR3):c.2251G>A (p.Ala751Thr)

Gene: MATR3 (matrin 3; plus strand). Cytogenetic location: 5q31.2.
Variant type: single nucleotide variant.
Coding change: c.2251G>A on transcript NM_018834.6 (MANE Select); coding-DNA position 2251, G replaced by A.
Protein change: p.Ala751Thr; replaces alanine 751 with threonine.
Molecular consequence: missense variant.
Genome position (GRCh38, 1-based): chr5:139,325,542, G>A. VCF-style: chr5-139325542-G-A. GRCh37 (hg19) VCF-style: chr5-138661231-G-A.
Other names: c.2251G>A, p.Ala751Thr (NM_001194954.2, NM_001194955.2, NM_199189.3); c.1387G>A, p.Ala463Thr (NM_001194956.2); c.1237G>A, p.Ala413Thr (NM_001282278.2); short protein forms A413T, A463T, A751T.
Identifiers: ClinVar variation 1196920 (VCV001196920.17), dbSNP rs774158046, ClinGen allele CA3433400.